The following is an entry in ClinVar:

ClinVar aggregate classification (germline): Uncertain significance. Review status: criteria provided, multiple submitters, no conflicts (2 of 4 stars). 2 submissions from 2 submitters: Uncertain significance (2). Last evaluated 2024-04-03.

Conditions:
Klippel-Feil anomaly-myopathy-facial dysmorphism syndrome. Also called: Klippel-feil syndrome 4, autosomal recessive, with nemaline myopathy and facial dysmorphism; Klippel-Feil syndrome 4, autosomal recessive, with myopathy and facial dysmorphism. Identifiers: Orphanet 447974, MedGen C4225285, MONDO:0014689, OMIM 616549.

Allele frequency attached by ClinVar (database versions not stated): gnomAD exomes 0.00005 and 0.00001; 1000 Genomes Project 30x 0.00016; TOPMed 0.00001.
gnomAD v4.1: 10 of 1,557,724 alleles (0.00064%); highest among the groups gnomAD compares: East Asian, 0.0024%; no homozygotes.

Submissions (2):

Revvity Omics, Revvity
Classification: Uncertain significance for Klippel-Feil anomaly-myopathy-facial dysmorphism syndrome. Last evaluated: 2024-04-03. Review status: criteria provided, single submitter. Criteria: ACMG Guidelines, 2015. Collection method: clinical testing. Allele origin: germline.

Labcorp Genetics (formerly Invitae), Labcorp
Classification: Uncertain significance. Last evaluated: 2022-05-08. Review status: criteria provided, single submitter. Criteria: Invitae Variant Classification Sherloc (09022015). Collection method: clinical testing. Allele origin: germline.
Comment: This sequence change replaces glutamic acid, which is acidic and polar, with lysine, which is basic and polar, at codon 1289 of the MYO18B protein (p.Glu1289Lys). This variant is present in population databases (no rsID available, gnomAD 0.02%). This variant has not been reported in the literature in individuals affected with MYO18B-related conditions. Algorithms developed to predict the effect of missense changes on protein structure and function are either unavailable or do not agree on the potential impact of this missense change (SIFT: "Not Available"; PolyPhen-2: "Possibly Damaging"; Align-GVGD: "Not Available"). In summary, the available evidence is currently insufficient to determine the role of this variant in disease. Therefore, it has been classified as a Variant of Uncertain Significance.

NM_032608.7(MYO18B):c.3865G>A (p.Glu1289Lys)

Gene: MYO18B (myosin XVIIIB; plus strand). Cytogenetic location: 22q12.1.
Variant type: single nucleotide variant.
Coding change: c.3865G>A on transcript NM_032608.7 (MANE Select); coding-DNA position 3865, G replaced by A.
Protein change: p.Glu1289Lys; replaces glutamic acid 1289 with lysine.
Molecular consequence: missense variant.
Genome position (GRCh38, 1-based): chr22:25,851,559, G>A. VCF-style: chr22-25851559-G-A. GRCh37 (hg19) VCF-style: chr22-26247526-G-A.
Other names: c.3868G>A, p.Glu1290Lys (NM_001318245.2); short protein forms E1290K, E1289K.
Identifiers: ClinVar variation 1410188 (VCV001410188.4), dbSNP rs1260175087, ClinGen allele CA411002836.